The following is an entry in ClinVar:

ClinVar aggregate classification (germline): Pathogenic (1 of 4 stars; one submission).

Conditions:
Hereditary breast ovarian cancer syndrome. Also called: Hereditary breast and ovarian cancer syndrome (HBOC); Breast and ovarian cancer; Hereditary breast and/or ovarian cancer syndrome; Hereditary breast and ovarian cancer; BRCA1- and BRCA2-Associated Hereditary Breast and Ovarian Cancer; Hereditary breast and ovarian cancer syndrome. Identifiers: Orphanet 145, MedGen C0677776, MeSH D061325, MONDO:0003582. Disease mechanism: loss of function.

Submission:

Labcorp Genetics (formerly Invitae), Labcorp
Classification: Pathogenic for Hereditary breast ovarian cancer syndrome. Last evaluated: 2022-09-05. Review status: criteria provided, single submitter. Criteria: Invitae Variant Classification Sherloc (09022015). Collection method: clinical testing. Allele origin: germline.
Comment: This variant is a gross deletion of the genomic region encompassing exon(s) 7-8 of the BRCA1 gene. This deletion is out-of-frame, and is expected to create a premature termination codon and result in an absent or disrupted protein product. Loss-of-function variants in BRCA1 are known to be pathogenic (PMID: 20104584). A similar copy number variant has been observed in individual(s) with hereditary breast and ovarian cancer (PMID: 10862036, 16551709, 18703817). This variant is also known as a deletion of exons 8-9. For these reasons, this variant has been classified as Pathogenic.

Literature cited by the submitters: PubMed 20104584; PubMed 10862036; PubMed 16551709; PubMed 18703817.

NC_000017.10:g.(?_41249241)_(41251917_?)del

Gene: BRCA1 (BRCA1 DNA repair associated; minus strand). Cytogenetic location: 17q21.31.
Variant type: Deletion.
Identifiers: ClinVar variation 2425742 (VCV002425742.6).